The following is an entry in ClinVar:

NM_000179.3(MSH6):c.3255C>T (p.Thr1085=)

Gene: MSH6 (mutS homolog 6; plus strand). Cytogenetic location: 2p16.3.
Variant type: single nucleotide variant.
Coding change: c.3255C>T on transcript NM_000179.3 (MANE Select); coding-DNA position 3255, C replaced by T.
Protein change: p.Thr1085=; no amino-acid change (threonine 1085 retained).
Molecular consequence: synonymous variant.
Genome position (GRCh38, 1-based): chr2:47,803,502, C>T. VCF-style: chr2-47803502-C-T. GRCh37 (hg19) VCF-style: chr2-48030641-C-T.
Other names: c.2865C>T, p.Thr955= (NM_001281492.2); c.2349C>T, p.Thr783= (NM_001281493.2, NM_001281494.2).
Identifiers: ClinVar variation 491934 (VCV000491934.16), dbSNP rs371568610, ClinGen allele CA070504.

ClinVar aggregate classification (germline): Benign/Likely benign. Review status: criteria provided, multiple submitters, no conflicts (2 of 4 stars). 4 submissions from 4 submitters: Benign (1); Likely benign (3). Last evaluated 2026-01-24.

Conditions:
Hereditary nonpolyposis colorectal neoplasms. Identifiers: MedGen C0009405, MeSH D003123.
Hereditary cancer-predisposing syndrome. Also called: Hereditary neoplastic syndrome; Tumor predisposition; Hereditary Cancer Syndrome; Neoplastic Syndromes, Hereditary. Identifiers: Orphanet 140162, MedGen C0027672, MeSH D009386, MONDO:0015356.
Lynch syndrome 5 (LYNCH5). Also called: Colorectal cancer, hereditary nonpolyposis, type 5; Hereditary non-polyposis colorectal cancer, type 5. Identifiers: Orphanet 144, MedGen C1833477, MONDO:0013710, OMIM 614350. Disease mechanism: loss of function.

gnomAD v4.1: 2 of 1,613,796 alleles (0.00012%); highest among the groups gnomAD compares: Non-Finnish European, 0.000085%; no homozygotes.

Submissions (4):

Labcorp Genetics (formerly Invitae), Labcorp
Classification: Likely benign for Hereditary nonpolyposis colorectal neoplasms. Last evaluated: 2026-01-24. Review status: criteria provided, single submitter. Criteria: Invitae Variant Classification Sherloc (09022015). Collection method: clinical testing. Allele origin: germline.

Myriad Genetics, Inc.
Classification: Benign for Lynch syndrome 5. Last evaluated: 2025-01-06. Review status: criteria provided, single submitter. Criteria: Myriad Autosomal Dominant, Autosomal Recessive and X-Linked Classification Criteria (2023). Collection method: clinical testing. Allele origin: unknown.
Comment: This variant is considered benign. This variant is a silent/synonymous amino acid change and it is not expected to impact splicing.

Ambry Genetics
Classification: Likely benign for Hereditary cancer-predisposing syndrome. Last evaluated: 2023-09-28. Review status: criteria provided, single submitter. Criteria: Ambry Variant Classification Scheme 2023. Collection method: clinical testing. Allele origin: germline.

Color Diagnostics, LLC DBA Color Health
Classification: Likely benign for Hereditary cancer-predisposing syndrome. Last evaluated: 2017-05-09. Review status: criteria provided, single submitter. Criteria: ACMG Guidelines, 2015. Collection method: clinical testing. Allele origin: germline.